The following is an entry in ClinVar:

NM_000535.7(PMS2):c.538-19G>C

Gene: PMS2 (PMS1 homolog 2, mismatch repair system component; minus strand). Cytogenetic location: 7p22.1.
Variant type: single nucleotide variant.
Coding change: c.538-19G>C on transcript NM_000535.7 (MANE Select); 19 bases into the intron before coding-DNA position 538, G replaced by C.
Molecular consequence: intron variant.
Genome position (GRCh38, 1-based): chr7:5,999,294, C>G on the plus strand (G>C on the coding strand, the complement: PMS2 is on the minus strand). VCF-style: chr7-5999294-C-G. GRCh37 (hg19) VCF-style: chr7-6038925-C-G.
Other names: c.220-19G>C (NM_001322008.2, NM_001322007.2); c.133-19G>C (NM_001322010.2, NM_001322004.2, NM_001322003.2 and 2 more transcripts); c.133-1871G>C (NM_001322013.2); c.-347-68G>C (NM_001322012.2, NM_001322011.2); c.229-19G>C (NM_001322015.2); c.538-19G>C (NM_001322006.2, NM_001322014.2).
Identifiers: ClinVar variation 383139 (VCV000383139.5), dbSNP rs1057521526, ClinGen allele CA16605122.

ClinVar aggregate classification (germline): Likely benign. Review status: criteria provided, multiple submitters, no conflicts (2 of 4 stars). 3 submissions from 3 submitters: Likely benign (3). Last evaluated 2025-01-27.

Conditions:
Lynch syndrome 4 (LYNCH4). Also called: Hereditary non-polyposis colorectal cancer, type 4; Colorectal cancer, hereditary nonpolyposis, type 4. Identifiers: Orphanet 144, MedGen C1838333, MONDO:0013699, OMIM 614337. Disease mechanism: loss of function.
Hereditary nonpolyposis colorectal neoplasms. Identifiers: MedGen C0009405, MeSH D003123.

Submissions (3):

Myriad Genetics, Inc.
Classification: Likely benign for Lynch syndrome 4. Last evaluated: 2025-01-27. Review status: criteria provided, single submitter. Criteria: Myriad Autosomal Dominant, Autosomal Recessive and X-Linked Classification Criteria (2023). Collection method: clinical testing. Allele origin: unknown.
Comment: This variant is considered likely benign. This variant is intronic and is not expected to impact mRNA splicing.

Labcorp Genetics (formerly Invitae), Labcorp
Classification: Likely benign for Hereditary nonpolyposis colorectal neoplasms. Last evaluated: 2023-08-24. Review status: criteria provided, single submitter. Criteria: Invitae Variant Classification Sherloc (09022015). Collection method: clinical testing. Allele origin: germline.

GeneDx
Classification: Likely benign. Last evaluated: 2016-01-12. Review status: criteria provided, single submitter. Criteria: GeneDx Variant Classification (06012015). Collection method: clinical testing. Allele origin: germline. Affected: yes.
Comment: This variant is considered likely benign or benign based on one or more of the following criteria: it is a conservative change, it occurs at a poorly conserved position in the protein, it is predicted to be benign by multiple in silico algorithms, and/or has population frequency not consistent with disease.